The following is an entry in ClinVar:

ClinVar aggregate classification (germline): Uncertain significance (1 of 4 stars; one submission).

Allele frequency attached by ClinVar (database versions not stated): TOPMed below 0.00001; gnomAD 0.00001; gnomAD exomes 0.00001.
gnomAD v4.1: 5 of 1,612,932 alleles (0.00031%); highest among the groups gnomAD compares: Middle Eastern, 0.038%; no homozygotes.

Submission:

Labcorp Genetics (formerly Invitae), Labcorp
Classification: Uncertain significance. Last evaluated: 2022-05-29. Review status: criteria provided, single submitter. Criteria: Invitae Variant Classification Sherloc (09022015). Collection method: clinical testing. Allele origin: germline.
Comment: In summary, the available evidence is currently insufficient to determine the role of this variant in disease. Therefore, it has been classified as a Variant of Uncertain Significance. Algorithms developed to predict the effect of missense changes on protein structure and function are either unavailable or do not agree on the potential impact of this missense change (SIFT: "Deleterious"; PolyPhen-2: "Possibly Damaging"; Align-GVGD: "Class C0"). This variant has not been reported in the literature in individuals affected with GLIS3-related conditions. This variant is present in population databases (no rsID available, gnomAD 0.0009%). This sequence change replaces tyrosine, which is neutral and polar, with histidine, which is basic and polar, at codon 732 of the GLIS3 protein (p.Tyr732His).

NM_001042413.2(GLIS3):c.2659T>C (p.Tyr887His)

Gene: GLIS3 (GLIS family zinc finger 3; minus strand). Cytogenetic location: 9p24.2.
Variant type: single nucleotide variant.
Coding change: c.2659T>C on transcript NM_001042413.2 (MANE Select); coding-DNA position 2659, T replaced by C.
Protein change: p.Tyr887His; replaces tyrosine 887 with histidine.
Molecular consequence: missense variant.
Genome position (GRCh38, 1-based): chr9:3,828,406, A>G on the plus strand (T>C on the coding strand, the complement: GLIS3 is on the minus strand). VCF-style: chr9-3828406-A-G. GRCh37 (hg19) VCF-style: chr9-3828406-A-G.
Other names: c.2194T>C, p.Tyr732His (NM_152629.4); short protein forms Y887H, Y732H.
Identifiers: ClinVar variation 1926937 (VCV001926937.3), dbSNP rs1224757260, ClinGen allele CA372804175.